The following is an entry in ClinVar:

ClinVar aggregate classification (germline): Pathogenic. Review status: criteria provided, multiple submitters, no conflicts (2 of 4 stars). 4 submissions from 4 submitters: Pathogenic (4). Last evaluated 2025-03-03.

Conditions:
Farber lipogranulomatosis (FRBRL). Also called: AC DEFICIENCY; ACID CERAMIDASE DEFICIENCY; CERAMIDASE DEFICIENCY; N-LAURYLSPHINGOSINE DEACYLASE DEFICIENCY; Farber's disease; Farber disease. Identifiers: Orphanet 333, MedGen C0268255, MONDO:0009218, OMIM 228000.
ASAH1-related disorders. Also called: ASAH1-related condition; ASAH1-related disorder. Identifiers: MedGen CN376120, MONDO:0800460.

Submissions (4):

Labcorp Genetics (formerly Invitae), Labcorp
Classification: Pathogenic. Last evaluated: 2025-03-03. Review status: criteria provided, single submitter. Criteria: Invitae Variant Classification Sherloc (09022015). Collection method: clinical testing. Allele origin: germline.
Comment: This sequence change creates a premature translational stop signal (p.Tyr137*) in the ASAH1 gene. It is expected to result in an absent or disrupted protein product. Loss-of-function variants in ASAH1 are known to be pathogenic (PMID: 24164096, 24355074). This variant is present in population databases (no rsID available, gnomAD 0.002%). This premature translational stop signal has been observed in individual(s) with Farber disease (PMID: 30815900). ClinVar contains an entry for this variant (Variation ID: 812471). For these reasons, this variant has been classified as Pathogenic.

Blueprint Genetics
Classification: Pathogenic for ASAH1-related disorders. Last evaluated: 2024-09-13. Review status: criteria provided, single submitter. Criteria: ACMG Guidelines, 2015. Collection method: clinical testing. Allele origin: germline. Affected: yes. Observed: 5 variant alleles.

PreventionGenetics, part of Exact Sciences
Classification: Pathogenic for ASAH1-related condition. Last evaluated: 2023-05-01. Review status: criteria provided, single submitter. Criteria: ACMG Guidelines, 2015. Collection method: clinical testing. Allele origin: germline.
Comment: The ASAH1 c.458_459delAT variant is predicted to result in premature protein termination (p.Tyr153*). Using an alternate transcript (NM_177924), this variant is also referred to as c.410_411delAT (p.Tyr137fs). This variant was reported in the compound heterozygous state in an individual with Farber disease (Patient 08, Ehlert et al. 2019. PubMed ID: 30815900). This variant is reported in 0.0019% of alleles in individuals of European (Non-Finnish) descent in gnomAD. Loss of function variants in ASAH1 have been reported as causative of disease. This variant is interpreted as pathogenic.

Medical Affairs, Dicerna Pharmaceuticals
Classification: Pathogenic for Farber lipogranulomatosis. Last evaluated: 2019-06-19. Review status: criteria provided, single submitter. Criteria: ACMG Guidelines, 2015. Collection method: literature only. Allele origin: unknown. Inheritance: Autosomal recessive inheritance. Affected: yes. Observed: 2 variant alleles.
Comment: Variant c.410_411delAT has been classified as pathogenic using the following rationale. Biopsy and microscopic examination of subcutaneous nodules and periarticular tissue showed an accumulation of macrophages and foamy (lipid-filled) histiocytes with broad cytoplasm arranged in clusters which is characteristic of Farber disease. Analysis of the ASAH1 gene by direct sequencing of exons and adjacent intronic sequences identified the presence in combined heterozygosis of a 2 bp deletion (c.410-411delAT) with the subsequent creation of a premature stop codon in position 137 (p.Tyr137Xfs). Functional evidence demonstrates ceramide content in cultured skin fibroblasts was markedly elevated (22.87 nM/mg; 15-fold above control), consistent with Farber disease. In addition, one unrelated patient has been identified with the same variant, Ehlert et al., 2017, DOI: 10.1002/jimd.12043 lending further support for this variant's pathogenicity.

Identified the presence in combined heterozygosis of a 2 bp deletion (c.410_411delAT) with the subsequent creation of a premature stop codon in position 137 (p.Tyr137Xfs) and a missense mutation (c.704G>A), that leads to the substitution of amino acid glycine in position 235 with the amino acid aspartic acid (p.Gly235Asp).

Literature cited by the submitters: PubMed 24164096 (cited by Labcorp Genetics (formerly Invitae), Labcorp); PubMed 24355074 (cited by Labcorp Genetics (formerly Invitae), Labcorp); PubMed 30815900 (cited by Labcorp Genetics (formerly Invitae), Labcorp); DOI 10.1093/rheumatology/keu010 (cited by Medical Affairs, Dicerna Pharmaceuticals).

NM_177924.5(ASAH1):c.410_411del (p.Phe136_Tyr137insTer)

Gene: ASAH1 (N-acylsphingosine amidohydrolase 1; minus strand). Cytogenetic location: 8p22.
Variant type: Deletion.
Coding change: c.410_411del on transcript NM_177924.5 (MANE Select); coding-DNA positions 410 to 411, 2 bases deleted (AT; older notation c.410_411delAT).
Protein change: p.Phe136_Tyr137insTer.
Molecular consequence: nonsense.
Genome position (GRCh38, 1-based): chr8:18,064,503-18,064,504, AT deleted on the plus strand (AT on the coding strand, the reverse complement: ASAH1 is on the minus strand); deleting any 2 consecutive bases within chr8:18,064,503-18,064,505 gives the same sequence; the c. name uses the placement nearest the transcript's 3' end. VCF-style (leftmost placement, unchanged base first): chr8-18064502-CAT-C. GRCh37 (hg19) VCF-style: chr8-17922011-CAT-C.
Other names: c.215_216del, p.Phe71_Tyr72insTer (NM_001363743.2); c.458_459del, p.Phe152_Tyr153insTer (NM_004315.6); c.458_459delAT (NM_004315.5); c.392_393del, p.Phe130_Tyr131insTer (NM_001127505.3); c.410_411delAT (NM_177924.5).
Identifiers: ClinVar variation 812471 (VCV000812471.8), dbSNP rs1281024431, ClinGen allele CA580091718.